The following is an entry in ClinVar:

NM_002471.4(MYH6):c.2611C>T (p.Arg871Cys)

Gene: MYH6 (myosin heavy chain 6; minus strand). Cytogenetic location: 14q11.2.
Variant type: single nucleotide variant.
Coding change: c.2611C>T on transcript NM_002471.4 (MANE Select); coding-DNA position 2611, C replaced by T.
Protein change: p.Arg871Cys; replaces arginine 871 with cysteine.
Molecular consequence: missense variant.
Genome position (GRCh38, 1-based): chr14:23,394,142, G>A on the plus strand (C>T on the coding strand, the complement: MYH6 is on the minus strand). VCF-style: chr14-23394142-G-A. GRCh37 (hg19) VCF-style: chr14-23863351-G-A.
Other names: short protein forms R871C.
Identifiers: ClinVar variation 44469 (VCV000044469.33), dbSNP rs376682837, ClinGen allele CA134289.

ClinVar aggregate classification (germline): Conflicting classifications of pathogenicity. Review status: criteria provided, conflicting classifications (1 of 4 stars). 12 submissions from 12 submitters: Uncertain significance (10); Likely benign (1). 1 of the submissions does not count toward it. Last evaluated 2026-10-08.

Conditions:
Cardiovascular phenotype. Identifiers: MedGen CN230736.
MYH6-related disorder. Also called: MYH6-related condition; MYH6-Related Disorders.
Cardiomyopathy (CMYO). Also called: Cardiomyopathies. Identifiers: Orphanet 167848, MedGen C0878544, MONDO:0004994, HP:0001638. Inheritance: Various modes of inheritance.
Atrial septal defect 3 (ASD3). Identifiers: Orphanet 1478, MedGen C3279790, MONDO:0013567, OMIM 614089.
Dilated cardiomyopathy 1EE (CMD1EE). Identifiers: Orphanet 154, MedGen C2750466, MONDO:0013198, OMIM 613252.
Hypertrophic cardiomyopathy 14. Identifiers: MedGen C2750467, MONDO:0013197, OMIM 613251.
Sick sinus syndrome 3, susceptibility to (SSS3). Identifiers: Orphanet 166282, MedGen C3279791, MONDO:0013568, OMIM 614090.

Allele frequency attached by ClinVar (database versions not stated): ExAC 0.00007; TOPMed 0.00010; gnomAD exomes 0.00009 and 0.00007; gnomAD 0.00014 and 0.00017; 1000 Genomes Project 30x 0.00031; 1000 Genomes Project 0.00040; ESP Exome Variant Server 0.00015.
gnomAD v4.1: 172 of 1,614,204 alleles (0.011%); highest among the groups gnomAD compares: South Asian, 0.019%; 1 homozygote.

Submissions (12):

GeneDx
Classification: Uncertain significance. Last evaluated: 2026-10-08. Review status: criteria provided, single submitter. Criteria: GeneDx Variant Classification Process June 2021. Collection method: clinical testing. Allele origin: germline.
Comment: Reported in patients with cardiomyopathy, HCM, and Brugada syndrome in the published literature (PMID: 32004434, 28082330, 26220970); In silico analysis supports that this missense variant has a deleterious effect on protein structure/function; This variant is associated with the following publications: (PMID: 26220970, 28082330, 32004434)

PreventionGenetics, part of Exact Sciences
Classification: Uncertain significance for MYH6-related condition. Last evaluated: 2026-06-09. Review status: criteria provided, single submitter. Criteria: ACMG Guidelines, 2015. Collection method: clinical testing. Allele origin: germline.
Comment: The MYH6 c.2611C>T variant is predicted to result in the amino acid substitution p.Arg871Cys. This variant has been reported in individuals with hypertrophic cardiomyopathy or Brugada syndrome (Table S2, Di Resta et al. 2015. PubMed ID: 26220970; Table S7, Walsh et al. 2017. PubMed ID: 28082330; De Bortoli et al. 2020. PubMed ID: 32004434). This variant is reported in 0.023% of alleles in individuals of South Asian descent in gnomAD. At this time, the clinical significance of this variant is uncertain due to the absence of conclusive functional and genetic evidence.

Labcorp Genetics (formerly Invitae), Labcorp
Classification: Uncertain significance for Hypertrophic cardiomyopathy 14. Last evaluated: 2026-01-26. Review status: criteria provided, single submitter. Criteria: Invitae Variant Classification Sherloc (09022015). Collection method: clinical testing. Allele origin: germline.
Comment: This sequence change replaces arginine, which is basic and polar, with cysteine, which is neutral and slightly polar, at codon 871 of the MYH6 protein (p.Arg871Cys). This variant is present in population databases (rs376682837, gnomAD 0.02%). This missense change has been observed in individual(s) with Brugada syndrome (PMID: 26220970). ClinVar contains an entry for this variant (Variation ID: 44469). Invitae Evidence Modeling of protein sequence and biophysical properties (such as structural, functional, and spatial information, amino acid conservation, physicochemical variation, residue mobility, and thermodynamic stability) has been performed for this missense variant. However, the output from this modeling did not meet the statistical confidence thresholds required to predict the impact of this variant on MYH6 protein function. In summary, the available evidence is currently insufficient to determine the role of this variant in disease. Therefore, it has been classified as a Variant of Uncertain Significance.

Blueprint Genetics
Classification: Likely benign. Last evaluated: 2024-11-27. Review status: criteria provided, single submitter. Criteria: ACMG Guidelines, 2015. Collection method: clinical testing. Allele origin: germline.

Fulgent Genetics
Classification: Uncertain significance for Hypertrophic cardiomyopathy 14; Dilated cardiomyopathy 1EE; Atrial septal defect 3; Sick sinus syndrome 3, susceptibility to. Last evaluated: 2024-01-23. Review status: criteria provided, single submitter. Criteria: ACMG Guidelines, 2015. Collection method: clinical testing. Allele origin: germline.

Women's Health and Genetics/Laboratory Corporation of America, LabCorp
Classification: Uncertain significance. Last evaluated: 2022-10-24. Review status: criteria provided, single submitter. Criteria: LabCorp Variant Classification Summary - May 2015. Collection method: clinical testing. Allele origin: germline.
Comment: Variant summary: MYH6 c.2611C>T (p.Arg871Cys) results in a non-conservative amino acid change located in the myosin tail domain (IPR002928) of the encoded protein sequence. Five of five in-silico tools predict a damaging effect of the variant on protein function. The variant allele was found at a frequency of 8.7e-05 in 251462 control chromosomes (gnomAD). The observed variant frequency is approximately 3.5 fold of the estimated maximal expected allele frequency for a pathogenic variant in MYH6 causing Cardiomyopathy (2.5e-05), suggesting that the variant is benign. c.2611C>T has been reported in the literature as a VUS in settings of multigene panel testing in an individual affected with Brugada syndrome and in an individual with hypertrophic cardiomyopathy (e.g. Di Resta_2015, Walsh_2017). The variant has also been reported in two affected individuals from a hypertrophic cardiomyopathy family, however both individuals also had a co-occurring variant (MYL2 c.496G>C, p.Asp166His) which segregated with the disease phenotype within the family (e.g. De Bortoli_2020). To our knowledge, no experimental evidence demonstrating an impact on protein function has been reported. Six submitters have provided clinical-significance assessments for this variant to ClinVar after 2014. All laboratories classified the variant as uncertain significance. Based on the evidence outlined above, the variant was classified as VUS-possibly benign.

Ambry Genetics
Classification: Uncertain significance for Cardiovascular phenotype. Last evaluated: 2022-09-06. Review status: criteria provided, single submitter. Criteria: Ambry General Variant Classification Scheme_2022. Collection method: clinical testing. Allele origin: germline. Observed: 1 variant allele.
Comment: The p.R871C variant (also known as c.2611C>T), located in coding exon 19 of the MYH6 gene, results from a C to T substitution at nucleotide position 2611. The arginine at codon 871 is replaced by cysteine, an amino acid with highly dissimilar properties. This amino acid position is well conserved in available vertebrate species. In addition, the in silico prediction for this alteration is inconclusive. Since supporting evidence is limited at this time, the clinical significance of this alteration remains unclear.

Clinical Genetics Laboratory, Skane University Hospital Lund
Classification: Uncertain significance. Last evaluated: 2022-05-27. Review status: criteria provided, single submitter. Criteria: ACMG Guidelines, 2015. Collection method: clinical testing. Allele origin: germline. Affected: yes.

Mayo Clinic Laboratories, Mayo Clinic
Classification: Uncertain significance. Last evaluated: 2019-05-07. Review status: criteria provided, single submitter. Criteria: ACMG Guidelines, 2015. Collection method: clinical testing. Allele origin: germline. Observed: 1 variant allele.

CHEO Genetics Diagnostic Laboratory, Children's Hospital of Eastern Ontario
Classification: Uncertain significance for Cardiomyopathy. Last evaluated: 2016-04-26. Review status: criteria provided, single submitter. Criteria: ACMG Guidelines, 2015. Collection method: clinical testing. Allele origin: germline. Study: Canadian Open Genetics Repository.

Laboratory for Molecular Medicine, Mass General Brigham Personalized Medicine
Classification: Uncertain significance. Last evaluated: 2012-05-15. Review status: criteria provided, single submitter. Criteria: LMM Criteria. Collection method: clinical testing. Allele origin: germline. Observed: 1 variant allele.
Comment: The Arg871Cys variant (MYH6) has been identified in 1/7020 European American chr omosomes from a broad population by the NHLBI Exome Sequencing Project. Note this could represent a presymptomatic individua l. Computational analyses (biochemical amino acid properties, conservation, Alig nGVGD, PolyPhen2, and SIFT) do not provide strong support for or against an impa ct to the protein. Additional studies are needed to fully assess its clinical si gnificance.

Department of Pathology and Laboratory Medicine, Sinai Health System
Classification: Uncertain significance. Review status: no assertion criteria provided. Collection method: clinical testing. Allele origin: unknown. Affected: yes. Study: The Canadian Open Genetics Repository (COGR). Not counted in ClinVar's aggregate classification.
Comment: The MYH6 p.Arg871Cys variant was not identified in the literature but was identified in dbSNP (ID: rs376682837), Cosmic, LOVD 3.0 (classified as a VUS) and ClinVar (classified as a VUS by Laboratory for Molecular Medicine, Invitae, Ambry Genetics, Fulgent Genetics, GeneDx and CHEO Genetics Diagnostic Laboratory). The variant was identified in control databases in 24 of 282854 chromosomes at a frequency of 0.000085 (Genome Aggregation Database Feb 27, 2017). The variant was observed in the following populations: Other in 3 of 7228 chromosomes (freq: 0.000415), South Asian in 7 of 30616 chromosomes (freq: 0.000229), African in 2 of 24972 chromosomes (freq: 0.00008), European (non-Finnish) in 10 of 129160 chromosomes (freq: 0.000077), East Asian in 1 of 19952 chromosomes (freq: 0.00005) and European (Finnish) in 1 of 25118 chromosomes (freq: 0.00004); it was not observed in the Latino and Ashkenazi Jewish populations. The variant occurs outside of the splicing consensus sequence and in silico or computational prediction software programs (SpliceSiteFinder, MaxEntScan, NNSPLICE, GeneSplicer) do not predict a difference in splicing. The p.Arg871 residue is conserved across mammals and other organisms, and computational analyses (PolyPhen-2, SIFT, AlignGVGD, BLOSUM, MutationTaster) suggest that the variant may impact the protein; however, this information is not predictive enough to assume pathogenicity. In summary, based on the above information the clinical significance of this variant cannot be determined with certainty at this time. This variant is classified as a variant of uncertain significance.

Literature cited by the submitters: PubMed 26220970 (cited by 3 submitters); PubMed 28082330 (cited by Women's Health and Genetics/Laboratory Corporation of America, LabCorp); PubMed 32004434 (cited by Women's Health and Genetics/Laboratory Corporation of America, LabCorp and Ambry Genetics); PubMed 28600387 (cited by Ambry Genetics).